The following is an entry in ClinVar:

ClinVar aggregate classification (germline): Uncertain significance (1 of 4 stars; one submission).

Allele frequency attached by ClinVar (database versions not stated): ExAC 0.00003; TOPMed 0.00003; ESP Exome Variant Server 0.00008.
gnomAD v4.1: 25 of 1,611,190 alleles (0.0016%); highest among the groups gnomAD compares: Middle Eastern, 0.033%; no homozygotes.

Submission:

Labcorp Genetics (formerly Invitae), Labcorp
Classification: Uncertain significance. Last evaluated: 2024-06-30. Review status: criteria provided, single submitter. Criteria: Invitae Variant Classification Sherloc (09022015). Collection method: clinical testing. Allele origin: germline.
Comment: This sequence change replaces arginine, which is basic and polar, with glutamine, which is neutral and polar, at codon 252 of the CREB3L3 protein (p.Arg252Gln). This variant is present in population databases (rs375880323, gnomAD 0.004%). This missense change has been observed in individual(s) with hypertriglyceridaemia (PMID: 36325899). Advanced modeling of protein sequence and biophysical properties (such as structural, functional, and spatial information, amino acid conservation, physicochemical variation, residue mobility, and thermodynamic stability) performed at Invitae indicates that this missense variant is expected to disrupt CREB3L3 protein function with a positive predictive value of 80%. In summary, the available evidence is currently insufficient to determine the role of this variant in disease. Therefore, it has been classified as a Variant of Uncertain Significance.

Literature cited by the submitters: PubMed 36325899.

NM_032607.3(CREB3L3):c.755G>A (p.Arg252Gln)

Gene: CREB3L3 (cAMP responsive element binding protein 3 like 3; plus strand). Cytogenetic location: 19p13.3.
Variant type: single nucleotide variant.
Coding change: c.755G>A on transcript NM_032607.3 (MANE Select); coding-DNA position 755, G replaced by A.
Protein change: p.Arg252Gln; replaces arginine 252 with glutamine.
Molecular consequence: missense variant. On other transcripts: intron variant (1).
Genome position (GRCh38, 1-based): chr19:4,168,391, G>A. VCF-style: chr19-4168391-G-A. GRCh37 (hg19) VCF-style: chr19-4168388-G-A.
Other names: c.752G>A, p.Arg251Gln (NM_001271995.2); c.749G>A, p.Arg250Gln (NM_001271996.2); c.715-1749G>A (NM_001271997.2); short protein forms R250Q, R251Q, R252Q.
Identifiers: ClinVar variation 2956190 (VCV002956190.3), dbSNP rs375880323, ClinGen allele CA9091458.